The following is an entry in ClinVar:

ClinVar aggregate classification (germline): Uncertain significance (1 of 4 stars; one submission).

Conditions:
Primary ciliary dyskinesia 6. Also called: Primary Ciliary Dyskinesia 6: TXNDC3-Related Primary Ciliary Dyskinesia. Identifiers: Orphanet 244, MedGen C1970506, MONDO:0012571, OMIM 610852.

Submission:

Labcorp Genetics (formerly Invitae), Labcorp
Classification: Uncertain significance for Primary ciliary dyskinesia 6. Last evaluated: 2017-04-20. Review status: criteria provided, single submitter. Criteria: Invitae Variant Classification Sherloc (09022015). Collection method: clinical testing. Allele origin: germline.
Comment: This sequence change replaces asparagine with serine at codon 26 of the NME8 protein (p.Asn26Ser). The asparagine residue is moderately conserved and there is a small physicochemical difference between asparagine and serine. Algorithms developed to predict the effect of missense changes on protein structure and function do not agree on the potential impact of this missense change (SIFT: "Tolerated"; PolyPhen-2: "Probably Damaging"; Align-GVGD: "Class C0"). In summary, this variant is a novel missense change with uncertain impact on protein function. It has been classified as a Variant of Uncertain Significance. This variant is not present in population databases (ExAC no frequency) and has not been reported in the literature in individuals with an NME8-related disease.

NM_016616.5(NME8):c.77A>G (p.Asn26Ser)

Gene: NME8 (NME/NM23 family member 8; plus strand). Cytogenetic location: 7p14.1.
Variant type: single nucleotide variant.
Coding change: c.77A>G on transcript NM_016616.5 (MANE Select); coding-DNA position 77, A replaced by G.
Protein change: p.Asn26Ser; replaces asparagine 26 with serine.
Molecular consequence: missense variant.
Genome position (GRCh38, 1-based): chr7:37,850,421, A>G. VCF-style: chr7-37850421-A-G. GRCh37 (hg19) VCF-style: chr7-37890023-A-G.
Other names: short protein forms N26S.
Identifiers: ClinVar variation 468997 (VCV000468997.8), dbSNP rs1554360744, ClinGen allele CA367219108.